The following is an entry in ClinVar:

ClinVar aggregate classification (germline): Uncertain significance (1 of 4 stars; one submission).

Submission:

Labcorp Genetics (formerly Invitae), Labcorp
Classification: Uncertain significance. Last evaluated: 2025-04-10. Review status: criteria provided, single submitter. Criteria: Invitae Variant Classification Sherloc (09022015). Collection method: clinical testing. Allele origin: germline.
Comment: This sequence change replaces arginine, which is basic and polar, with cysteine, which is neutral and slightly polar, at codon 3021 of the DCHS1 protein (p.Arg3021Cys). The frequency data for this variant in the population databases is considered unreliable, as metrics indicate poor data quality at this position in the gnomAD database. This variant has not been reported in the literature in individuals affected with DCHS1-related conditions. ClinVar contains an entry for this variant (Variation ID: 3614631). Invitae Evidence Modeling of protein sequence and biophysical properties (such as structural, functional, and spatial information, amino acid conservation, physicochemical variation, residue mobility, and thermodynamic stability) indicates that this missense variant is not expected to disrupt DCHS1 protein function with a negative predictive value of 80%. In summary, the available evidence is currently insufficient to determine the role of this variant in disease. Therefore, it has been classified as a Variant of Uncertain Significance.

NM_003737.4(DCHS1):c.9061C>T (p.Arg3021Cys)

Gene: DCHS1 (dachsous cadherin-related 1; minus strand). Cytogenetic location: 11p15.4.
Variant type: single nucleotide variant.
Coding change: c.9061C>T on transcript NM_003737.4 (MANE Select); coding-DNA position 9061, C replaced by T.
Protein change: p.Arg3021Cys; replaces arginine 3021 with cysteine.
Molecular consequence: missense variant.
Genome position (GRCh38, 1-based): chr11:6,622,615, G>A on the plus strand (C>T on the coding strand, the complement: DCHS1 is on the minus strand). VCF-style: chr11-6622615-G-A. GRCh37 (hg19) VCF-style: chr11-6643846-G-A.
Other names: short protein forms R3021C.
Identifiers: ClinVar variation 3614631 (VCV003614631.2).